The following is an entry in ClinVar:

NM_005027.4(PIK3R2):c.1675C>T (p.Arg559Cys)

Gene: PIK3R2 (phosphoinositide-3-kinase regulatory subunit 2; plus strand). Cytogenetic location: 19p13.11.
Variant type: single nucleotide variant.
Coding change: c.1675C>T on transcript NM_005027.4 (MANE Select); coding-DNA position 1675, C replaced by T.
Protein change: p.Arg559Cys; replaces arginine 559 with cysteine.
Molecular consequence: missense variant. On other transcripts: non-coding transcript variant (2).
Genome position (GRCh38, 1-based): chr19:18,167,245, C>T. VCF-style: chr19-18167245-C-T. GRCh37 (hg19) VCF-style: chr19-18278055-C-T.
Other names: short protein forms R559C.
Identifiers: ClinVar variation 2672095 (VCV002672095.1), dbSNP rs781265051, ClinGen allele CA9307098.

ClinVar aggregate classification (germline): Uncertain significance (1 of 4 stars; one submission).

Conditions:
Overgrowth syndrome. Identifiers: Orphanet 93460, MedGen C2986703, MONDO:0019716.

Allele frequency attached by ClinVar (database versions not stated): ExAC 0.00001; gnomAD exomes 0.00001.
gnomAD v4.1: 15 of 1,612,602 alleles (0.00093%); highest among the groups gnomAD compares: South Asian, 0.0055%; no homozygotes.

Submission:

Clinical Genomics Laboratory, Washington University in St. Louis
Classification: Uncertain significance for Overgrowth syndrome. Last evaluated: 2023-10-16. Review status: criteria provided, single submitter. Criteria: ACMG Guidelines, 2015. Collection method: clinical testing. Allele origin: somatic.
Comment: The PIK3R2 c.1675C>T (p.Arg559Cys) variant was identified at an allelic fraction consistent with somatic origin. This variant, to our knowledge, has not been reported in the medical literature. This variant has been reported in one cancer case as a somatic variant in the cancer database COSMIC (COSMIC ID: COSV55847995). This variant is absent from the general population (gnomAD v3.1.2), indicating it is not a common variant. This variant resides within a iSH2_PIK3R2 domain of PIK3R2 that is defined as a critical functional domain (Yu J et al., PMID: 9488453). Computational predictors are uncertain as to the impact of this variant on PIK3R2 function. Due to limited information, and based on ACMG/AMP guidelines for variant interpretation (Richards S et al., PMID: 25741868), the clinical significance of this variant is uncertain at this time.